The following is an entry in ClinVar:

ClinVar aggregate classification (germline): Uncertain significance (1 of 4 stars; one submission).

Conditions:
Inborn genetic diseases. Identifiers: MedGen C0950123, MeSH D030342.

Submission:

Ambry Genetics
Classification: Uncertain significance for Inborn genetic diseases. Last evaluated: 2025-04-11. Review status: criteria provided, single submitter. Criteria: Ambry Variant Classification Scheme 2023. Collection method: clinical testing. Allele origin: germline.
Comment: The p.H1091Y variant (also known as c.3271C>T), located in coding exon 1 of the SAMD9 gene, results from a C to T substitution at nucleotide position 3271. The histidine at codon 1091 is replaced by tyrosine, an amino acid with similar properties. This amino acid position is conserved. In addition, this alteration is predicted to be tolerated by in silico analysis. Based on the available evidence, the clinical significance of this variant remains unclear.

NM_017654.4(SAMD9):c.3271C>T (p.His1091Tyr)

Gene: SAMD9 (sterile alpha motif domain containing 9; minus strand). Cytogenetic location: 7q21.2.
Variant type: single nucleotide variant.
Coding change: c.3271C>T on transcript NM_017654.4 (MANE Select); coding-DNA position 3271, C replaced by T.
Protein change: p.His1091Tyr; replaces histidine 1091 with tyrosine.
Molecular consequence: missense variant.
Genome position (GRCh38, 1-based): chr7:93,102,827, G>A on the plus strand (C>T on the coding strand, the complement: SAMD9 is on the minus strand). VCF-style: chr7-93102827-G-A. GRCh37 (hg19) VCF-style: chr7-92732140-G-A.
Other names: c.3271C>T, p.His1091Tyr (NM_001193307.2); short protein forms H1091Y.
Identifiers: ClinVar variation 3949539 (VCV003949539.1).